The following is an entry in ClinVar:

ClinVar aggregate classification (germline): Uncertain significance (1 of 4 stars; one submission).

Conditions:
Gastrointestinal stromal tumor. Also called: Gastrointestinal stromal tumor, somatic; Gastrointestinal stroma tumor. Identifiers: Orphanet 44890, MedGen C0238198, MeSH D046152, MONDO:0011719, OMIM 606764, HP:0100723.

Submission:

Labcorp Genetics (formerly Invitae), Labcorp
Classification: Uncertain significance for Gastrointestinal stromal tumor. Last evaluated: 2021-05-27. Review status: criteria provided, single submitter. Criteria: Invitae Variant Classification Sherloc (09022015). Collection method: clinical testing. Allele origin: germline.
Comment: In summary, the available evidence is currently insufficient to determine the role of this variant in disease. Therefore, it has been classified as a Variant of Uncertain Significance. Algorithms developed to predict the effect of missense changes on protein structure and function are either unavailable or do not agree on the potential impact of this missense change (SIFT: "Deleterious"; PolyPhen-2: "Probably Damaging"; Align-GVGD: "Class C0"). This variant has not been reported in the literature in individuals with PDGFRA-related conditions. This variant is not present in population databases (ExAC no frequency). This sequence change replaces tyrosine with histidine at codon 762 of the PDGFRA protein (p.Tyr762His). The tyrosine residue is highly conserved and there is a moderate physicochemical difference between tyrosine and histidine.

NM_006206.6(PDGFRA):c.2284T>C (p.Tyr762His)

Gene: PDGFRA (platelet derived growth factor receptor alpha; plus strand). Cytogenetic location: 4q12.
Variant type: single nucleotide variant.
Coding change: c.2284T>C on transcript NM_006206.6 (MANE Select); coding-DNA position 2284, T replaced by C.
Protein change: p.Tyr762His; replaces tyrosine 762 with histidine.
Molecular consequence: missense variant.
Genome position (GRCh38, 1-based): chr4:54,280,443, T>C. VCF-style: chr4-54280443-T-C. GRCh37 (hg19) VCF-style: chr4-55146610-T-C.
Other names: c.2284T>C, p.Tyr762His (NM_001347827.2, NM_001347829.2); c.2359T>C, p.Tyr787His (NM_001347828.2); c.2323T>C, p.Tyr775His (NM_001347830.2); short protein forms Y775H, Y762H, Y787H.
Identifiers: ClinVar variation 1508534 (VCV001508534.8), dbSNP rs2110324715, ClinGen allele CA356894474.
Genomic context (GRCh38, chr4:54,280,443, plus strand): 5'-TATGTCCCCATGCTAGAAAGGAAAGAGGTTTCTAAATATTCCGACATCCAGAGATCACTC[T>C]ATGATCGTCCAGCCTCATATAAGAAGAAATCTATGTTAGGTAAAAGTGTCTATACTCACT-3'
Protein context (NP_006197.1, residues 752-772): SKYSDIQRSL[Tyr762His]DRPASYKKKS